The following is an entry in ClinVar:

NM_021096.4(CACNA1I):c.1901G>C (p.Arg634Pro)

Gene: CACNA1I (calcium voltage-gated channel subunit alpha1 I; plus strand). Cytogenetic location: 22q13.1.
Variant type: single nucleotide variant.
Coding change: c.1901G>C on transcript NM_021096.4 (MANE Select); coding-DNA position 1901, G replaced by C.
Protein change: p.Arg634Pro; replaces arginine 634 with proline.
Molecular consequence: missense variant.
Genome position (GRCh38, 1-based): chr22:39,649,834, G>C. VCF-style: chr22-39649834-G-C. GRCh37 (hg19) VCF-style: chr22-40045839-G-C.
Other names: c.1796G>C, p.Arg599Pro (NM_001003406.2); short protein forms R599P, R634P.
Identifiers: ClinVar variation 4278531 (VCV004278531.1).

ClinVar aggregate classification (germline): Uncertain significance (1 of 4 stars; one submission).

gnomAD v4.1: 1 of 1,613,388 alleles (0.000062%); highest among the groups gnomAD compares: Non-Finnish European, 0.000085%; no homozygotes.

Submission:

GeneDx
Classification: Uncertain significance. Last evaluated: 2025-04-04. Review status: criteria provided, single submitter. Criteria: GeneDx Variant Classification Process June 2021. Collection method: clinical testing. Allele origin: germline. Affected: yes.
Comment: Not observed at significant frequency in large population cohorts (gnomAD); In silico analysis supports that this missense variant has a deleterious effect on protein structure/function; Has not been previously published as pathogenic or benign to our knowledge